The following is an entry in ClinVar:

NM_012470.4(TNPO3):c.1939G>C (p.Glu647Gln)

Gene: TNPO3 (transportin 3; minus strand). Cytogenetic location: 7q32.1.
Variant type: single nucleotide variant.
Coding change: c.1939G>C on transcript NM_012470.4 (MANE Select); coding-DNA position 1939, G replaced by C.
Protein change: p.Glu647Gln; replaces glutamic acid 647 with glutamine.
Molecular consequence: missense variant. On other transcripts: non-coding transcript variant (14), intron variant (1).
Genome position (GRCh38, 1-based): chr7:128,979,105, C>G on the plus strand (G>C on the coding strand, the complement: TNPO3 is on the minus strand). VCF-style: chr7-128979105-C-G. GRCh37 (hg19) VCF-style: chr7-128619159-C-G.
Other names: c.1747G>C, p.Glu583Gln (NM_001191028.3, NM_001382223.1); c.2041G>C, p.Glu681Gln (NM_001382216.1); c.2020G>C, p.Glu674Gln (NM_001382217.1); c.1939G>C, p.Glu647Gln (NM_001382218.1); c.1831G>C, p.Glu611Gln (NM_001382219.1); c.1795G>C, p.Glu599Gln (NM_001382221.1); c.1792G>C, p.Glu598Gln (NM_001382222.1); c.1920+866G>C (NM_001382220.1); short protein forms E681Q, E598Q, E611Q, E647Q, E583Q, E599Q, E674Q.
Identifiers: ClinVar variation 4717920 (VCV004717920.1).

ClinVar aggregate classification (germline): Uncertain significance (1 of 4 stars; one submission).

Conditions:
Autosomal dominant limb-girdle muscular dystrophy type 1F (LGMDD2). Also called: Limb-girdle muscular dystrophy, type 1F; MUSCULAR DYSTROPHY, LIMB-GIRDLE, AUTOSOMAL DOMINANT 2. Identifiers: Orphanet 55595, MedGen C1842062, MONDO:0012034, OMIM 608423.

Submission:

Labcorp Genetics (formerly Invitae), Labcorp
Classification: Uncertain significance for Autosomal dominant limb-girdle muscular dystrophy type 1F. Last evaluated: 2025-07-16. Review status: criteria provided, single submitter. Criteria: Invitae Variant Classification Sherloc (09022015). Collection method: clinical testing. Allele origin: germline.
Comment: This sequence change replaces glutamic acid, which is acidic and polar, with glutamine, which is neutral and polar, at codon 647 of the TNPO3 protein (p.Glu647Gln). This variant is not present in population databases (gnomAD no frequency). This variant has not been reported in the literature in individuals affected with TNPO3-related conditions. Invitae Evidence Modeling of protein sequence and biophysical properties (such as structural, functional, and spatial information, amino acid conservation, physicochemical variation, residue mobility, and thermodynamic stability) indicates that this missense variant is not expected to disrupt TNPO3 protein function with a negative predictive value of 80%. In summary, the available evidence is currently insufficient to determine the role of this variant in disease. Therefore, it has been classified as a Variant of Uncertain Significance.